The following is an entry in ClinVar:

NM_001258392.3(CLPB):c.790C>T (p.Gln264Ter)

Gene: CLPB (ClpB family mitochondrial disaggregase; minus strand). Cytogenetic location: 11q13.4.
Variant type: single nucleotide variant.
Coding change: c.790C>T on transcript NM_001258392.3 (MANE Select); coding-DNA position 790, C replaced by T.
Protein change: p.Gln264Ter; replaces glutamine 264 with a stop codon.
Molecular consequence: nonsense.
Genome position (GRCh38, 1-based): chr11:72,329,790, G>A on the plus strand (C>T on the coding strand, the complement: CLPB is on the minus strand). VCF-style: chr11-72329790-G-A. GRCh37 (hg19) VCF-style: chr11-72040834-G-A.
Other names: c.703C>T, p.Gln235Ter (NM_001258393.3); c.745C>T, p.Gln249Ter (NM_001258394.3); c.880C>T, p.Gln294Ter (NM_030813.6); c.880C>T (NM_030813.5); short protein forms Q249*, Q294*, Q264*, Q235*.
Identifiers: ClinVar variation 2136144 (VCV002136144.8), dbSNP rs748911107, ClinGen allele CA6171374.

ClinVar aggregate classification (germline): Pathogenic. Review status: criteria provided, multiple submitters, no conflicts (2 of 4 stars). 3 submissions from 3 submitters: Pathogenic (3). Last evaluated 2026-10-10.

Conditions:
3-methylglutaconic aciduria, type VIIB (MGCA7B). Also called: CLPB Deficiency; 3-methylglutaconic aciduria with cataracts, neurologic involvement and neutropenia; 3-methylglutaconic aciduria, type VII, with cataracts, neurologic involvement and neutropenia. Identifiers: Orphanet 445038, MedGen C5676893, MONDO:0014561, OMIM 616271.

Allele frequency attached by ClinVar (database versions not stated): TOPMed below 0.00001; ExAC 0.00002; gnomAD exomes below 0.00001.
gnomAD v4.1: 3 of 1,613,656 alleles (0.00019%); highest among the groups gnomAD compares: Admixed American, 0.005%; no homozygotes.

Submissions (3):

GeneDx
Classification: Pathogenic. Last evaluated: 2026-10-10. Review status: criteria provided, single submitter. Criteria: GeneDx Variant Classification Process June 2021. Collection method: clinical testing. Allele origin: germline.
Comment: Nonsense variant predicted to result in protein truncation or nonsense mediated decay in a gene for which loss of function is a known mechanism of disease; This variant is associated with the following publications: (PMID: 39787888, 37334785)

Labcorp Genetics (formerly Invitae), Labcorp
Classification: Pathogenic for 3-methylglutaconic aciduria, type VIIB. Last evaluated: 2024-01-19. Review status: criteria provided, single submitter. Criteria: Invitae Variant Classification Sherloc (09022015). Collection method: clinical testing. Allele origin: germline.
Comment: This sequence change creates a premature translational stop signal (p.Gln294*) in the CLPB gene. It is expected to result in an absent or disrupted protein product. Loss-of-function variants in CLPB are known to be pathogenic (PMID: 25597510, 28687938). This variant is present in population databases (rs748911107, gnomAD 0.006%). This variant has not been reported in the literature in individuals affected with CLPB-related conditions. ClinVar contains an entry for this variant (Variation ID: 2136144). For these reasons, this variant has been classified as Pathogenic.

Baylor Genetics
Classification: Pathogenic for 3-methylglutaconic aciduria, type VIIB. Last evaluated: 2022-01-03. Review status: criteria provided, single submitter. Criteria: ACMG Guidelines, 2015. Collection method: clinical testing. Allele origin: unknown.

Literature cited by the submitters: PubMed 25597510 (cited by Labcorp Genetics (formerly Invitae), Labcorp); PubMed 28687938 (cited by Labcorp Genetics (formerly Invitae), Labcorp).